The following is an entry in ClinVar:

NC_000013.11:g.76991952A>C

Gene: CLN5 (CLN5 lysosomal BMP synthase; plus strand). Cytogenetic location: 13q22.3.
Variant type: single nucleotide variant.
Molecular consequence: missense variant (on NM_006493.2).
Genome position: GRCh38 VCF-style: chr13-76991952-A-C. GRCh37 (hg19) VCF-style: chr13-77566087-A-C.
Other names: c.1A>C, p.Met1Leu (NM_006493.2).
Identifiers: ClinVar variation 554902 (VCV000554902.15), dbSNP rs1268502139, ClinGen allele CA388305482.

ClinVar aggregate classification (germline): Conflicting classifications of pathogenicity. Review status: criteria provided, conflicting classifications (1 of 4 stars). 4 submissions from 4 submitters: Uncertain significance (2); Likely benign (1). 1 of the submissions does not count toward it. Last evaluated 2025-10-02.

Conditions:
Neuronal ceroid lipofuscinosis. Also called: Neuronal Ceroid Lipofuscinoses. Identifiers: Orphanet 216, Orphanet 79263, MedGen C0027877, MONDO:0016295. Disease mechanism: loss of function.
Inborn genetic diseases. Identifiers: MedGen C0950123, MeSH D030342.
Neuronal ceroid lipofuscinosis 5 (CLN5). Also called: CLN5-Related Neuronal Ceroid-Lipofuscinosis; Neuronal ceroid lipofuscinosis Finnish variant; NEURONAL CEROID LIPOFUSCINOSIS, LATE INFANTILE, FINNISH VARIANT; CEROID LIPOFUSCINOSIS, NEURONAL, 5, VARIABLE AGE AT ONSET. Identifiers: Orphanet 168491, Orphanet 228360, MedGen C1850442, MONDO:0009745, OMIM 256731.

Allele frequency attached by ClinVar (database versions not stated): gnomAD 0.00002; TOPMed 0.00002; gnomAD exomes 0.00001 and 0.00003.

Submissions (4):

Labcorp Genetics (formerly Invitae), Labcorp
Classification: Likely benign for Neuronal ceroid lipofuscinosis. Last evaluated: 2025-10-02. Review status: criteria provided, single submitter. Criteria: Invitae Variant Classification Sherloc (09022015). Collection method: clinical testing. Allele origin: germline.

Ambry Genetics
Classification: Uncertain significance for Inborn genetic diseases. Last evaluated: 2022-07-04. Review status: criteria provided, single submitter. Criteria: Ambry Variant Classification Scheme 2023. Collection method: clinical testing. Allele origin: germline.
Comment: May escape nonsense-mediated mRNA decay and/or be rescued by re-initiation Based on insufficient or conflicting evidence, the clinical significance of this alteration remains unclear.

Genome-Nilou Lab
Classification: Uncertain significance for Neuronal ceroid lipofuscinosis 5. Last evaluated: 2021-08-10. Review status: criteria provided, single submitter. Criteria: ACMG Guidelines, 2015. Collection method: clinical testing. Allele origin: germline. Affected: no.

Counsyl
Classification: Uncertain significance for Neuronal ceroid lipofuscinosis 5. Last evaluated: 2017-11-08. Review status: no assertion criteria provided. Collection method: clinical testing. Allele origin: unknown. Not counted in ClinVar's aggregate classification.

Literature cited by the submitters: PubMed 11971870 (cited by Counsyl); PubMed 20052765 (cited by Counsyl); PubMed 12134079 (cited by Counsyl).